The following is an entry in ClinVar:

NM_001042432.2(CLN3):c.418G>A (p.Val140Ile)

Gene: CLN3 (CLN3 lysosomal/endosomal transmembrane protein, battenin; minus strand). Cytogenetic location: 16p12.1.
Variant type: single nucleotide variant.
Coding change: c.418G>A on transcript NM_001042432.2 (MANE Select); coding-DNA position 418, G replaced by A.
Protein change: p.Val140Ile; replaces valine 140 with isoleucine.
Molecular consequence: missense variant.
Genome position (GRCh38, 1-based): chr16:28,487,498, C>T on the plus strand (G>A on the coding strand, the complement: CLN3 is on the minus strand). VCF-style: chr16-28487498-C-T. GRCh37 (hg19) VCF-style: chr16-28498819-C-T.
Other names: p.V140I:GTC>ATC; c.418G>A, p.Val140Ile (NM_000086.2); c.346G>A, p.Val116Ile (NM_001286104.2); c.118G>A, p.Val40Ile (NM_001286105.2); c.184G>A, p.Val62Ile (NM_001286109.2); c.256G>A, p.Val86Ile (NM_001286110.2); short protein forms V140I, V116I, V40I, V86I, V62I.
Identifiers: ClinVar variation 205088 (VCV000205088.22), dbSNP rs373034150, ClinGen allele CA313703.

ClinVar aggregate classification (germline): Conflicting classifications of pathogenicity. Review status: criteria provided, conflicting classifications (1 of 4 stars). 7 submissions from 7 submitters: Uncertain significance (6); Likely benign (1). Last evaluated 2025-04-12.

Conditions:
Inborn genetic diseases. Identifiers: MedGen C0950123, MeSH D030342.
Neuronal ceroid lipofuscinosis 3 (CLN3). Identifiers: Orphanet 228346, MedGen C0751383, MONDO:0008767, OMIM 204200.
Neuronal ceroid lipofuscinosis. Also called: Neuronal Ceroid Lipofuscinoses. Identifiers: Orphanet 216, Orphanet 79263, MedGen C0027877, MONDO:0016295. Disease mechanism: loss of function.

Allele frequency attached by ClinVar (database versions not stated): ExAC 0.00003; gnomAD 0.00004 and 0.00005; gnomAD exomes 0.00004 and 0.00006; TOPMed 0.00007; ESP Exome Variant Server 0.00008.

Submissions (7):

Ambry Genetics
Classification: Likely benign for Inborn genetic diseases. Last evaluated: 2025-04-12. Review status: criteria provided, single submitter. Criteria: Ambry Variant Classification Scheme 2023. Collection method: clinical testing. Allele origin: germline.

Women's Health and Genetics/Laboratory Corporation of America, LabCorp
Classification: Uncertain significance. Last evaluated: 2025-03-19. Review status: criteria provided, single submitter. Criteria: LabCorp Variant Classification Summary - May 2015. Collection method: clinical testing. Allele origin: germline.
Comment: Variant summary: CLN3 c.418G>A (p.Val140Ile) results in a conservative amino acid change in the encoded protein sequence. Five of five in-silico tools predict a benign effect of the variant on protein function. The variant allele was found at a frequency of 4e-05 in 251290 control chromosomes. This frequency is not significantly higher than estimated for a pathogenic variant in CLN3 causing Neuronal ceroid lipofuscinosis 3, allowing no conclusion about variant significance. To our knowledge, no occurrence of c.418G>A in individuals affected with Neuronal ceroid lipofuscinosis 3 and no experimental evidence demonstrating its impact on protein function have been reported. ClinVar contains an entry for this variant (Variation ID: 205088). Based on the evidence outlined above, the variant was classified as uncertain significance.

GeneDx
Classification: Uncertain significance. Last evaluated: 2025-02-07. Review status: criteria provided, single submitter. Criteria: GeneDx Variant Classification Process June 2021. Collection method: clinical testing. Allele origin: germline. Affected: yes.
Comment: In silico analysis indicates that this missense variant does not alter protein structure/function; Has not been previously published as pathogenic or benign to our knowledge

Labcorp Genetics (formerly Invitae), Labcorp
Classification: Uncertain significance for Neuronal ceroid lipofuscinosis. Last evaluated: 2022-10-13. Review status: criteria provided, single submitter. Criteria: Invitae Variant Classification Sherloc (09022015). Collection method: clinical testing. Allele origin: germline.
Comment: This sequence change replaces valine, which is neutral and non-polar, with isoleucine, which is neutral and non-polar, at codon 140 of the CLN3 protein (p.Val140Ile). This variant is present in population databases (rs373034150, gnomAD 0.02%). This variant has not been reported in the literature in individuals affected with CLN3-related conditions. ClinVar contains an entry for this variant (Variation ID: 205088). Advanced modeling of protein sequence and biophysical properties (such as structural, functional, and spatial information, amino acid conservation, physicochemical variation, residue mobility, and thermodynamic stability) performed at Invitae indicates that this missense variant is not expected to disrupt CLN3 protein function. In summary, the available evidence is currently insufficient to determine the role of this variant in disease. Therefore, it has been classified as a Variant of Uncertain Significance.

Genome-Nilou Lab
Classification: Uncertain significance for Neuronal ceroid lipofuscinosis 3. Last evaluated: 2021-08-10. Review status: criteria provided, single submitter. Criteria: ACMG Guidelines, 2015. Collection method: clinical testing. Allele origin: germline. Affected: no.

Illumina Laboratory Services, Illumina
Classification: Uncertain significance for Neuronal ceroid lipofuscinosis 3. Last evaluated: 2018-01-12. Review status: criteria provided, single submitter. Criteria: ICSL Variant Classification Criteria 13 December 2019. Collection method: clinical testing. Allele origin: germline.

Center for Pediatric Genomic Medicine, Children's Mercy Hospital and Clinics
Classification: Uncertain significance. Last evaluated: 2017-02-09. Review status: criteria provided, single submitter. Criteria: ACMG Guidelines, 2015. Collection method: clinical testing. Allele origin: germline.
ClinVar note: Converted during submission from Uncertain Significance to Uncertain significance.